The following is an entry in ClinVar:

NM_182931.3(KMT2E):c.1944_1948del (p.Lys649fs)

Gene: KMT2E (lysine methyltransferase 2E (inactive); plus strand). Cytogenetic location: 7q22.3.
Variant type: Deletion.
Coding change: c.1944_1948del on transcript NM_182931.3 (MANE Select); coding-DNA positions 1944 to 1948, 5 bases deleted (TAAAC; older notation c.1944_1948delTAAAC).
Protein change: p.Lys649fs; shifts the reading frame from lysine 649.
Molecular consequence: frameshift variant.
Genome position (GRCh38, 1-based): chr7:105,101,942-105,101,946, TAAAC deleted; deleting any 5 consecutive bases within chr7:105,101,939-105,101,946 gives the same sequence; the c. name uses the placement nearest the transcript's 3' end. VCF-style (leftmost placement, unchanged base first): chr7-105101938-GAACTA-G. GRCh37 (hg19) VCF-style: chr7-104742385-GAACTA-G.
Other names: c.1944_1948del, p.Lys649fs (NM_001410908.1, NM_018682.4); short protein forms K649fs.
Identifiers: ClinVar variation 3385397 (VCV003385397.3).
Genomic context (GRCh38, chr7:105,101,938, plus strand): 5'-TGAATTAGGAACAAGCAAAAGAAGAAAATGCTAGCAAGCCAACCCCTGCCAAAGTAAATA[GAACTA>G]AACAGAGAAAAAGTTTTTCTCGGAGTAGGACTCACATTGGACAGCAGCGTCGGAGACACA-3'

ClinVar aggregate classification (germline): Pathogenic (1 of 4 stars; one submission).

Conditions:
O'Donnell-Luria-Rodan syndrome (ODLURO). Also called: KMT2E-Related Neurodevelopmental Disorder. Identifiers: MedGen C5193138, MONDO:0032793, OMIM 618512.

Submission:

Institute of Human Genetics, University of Leipzig Medical Center
Classification: Pathogenic for O'Donnell-Luria-Rodan syndrome. Last evaluated: 2024-11-15. Review status: criteria provided, single submitter. Criteria: ACMG Guidelines, 2015. Collection method: clinical testing. Allele origin: de novo. Inheritance: Autosomal dominant inheritance. Affected: yes.
Comment: Criteria applied: PVS1,PS2_MOD,PM2